The following is an entry in ClinVar:

NM_001039141.3(TRIOBP):c.634G>A (p.Gly212Ser)

Gene: TRIOBP (TRIO and F-actin binding protein; plus strand). Cytogenetic location: 22q13.1.
Variant type: single nucleotide variant.
Coding change: c.634G>A on transcript NM_001039141.3 (MANE Select); coding-DNA position 634, G replaced by A.
Protein change: p.Gly212Ser; replaces glycine 212 with serine.
Molecular consequence: missense variant.
Genome position (GRCh38, 1-based): chr22:37,723,190, G>A. VCF-style: chr22-37723190-G-A. GRCh37 (hg19) VCF-style: chr22-38119197-G-A.
Other names: short protein forms G212S.
Identifiers: ClinVar variation 287640 (VCV000287640.61), dbSNP rs201794404, ClinGen allele CA10223412.

ClinVar aggregate classification (germline): Conflicting classifications of pathogenicity. Review status: criteria provided, conflicting classifications (1 of 4 stars). 6 submissions from 6 submitters: Uncertain significance (2); Benign (2); Likely benign (2). Last evaluated 2026-01-26.

Conditions:
Autosomal recessive nonsyndromic hearing loss 28. Identifiers: Orphanet 90636, MedGen C1853276, MONDO:0012355, OMIM 609823.

Allele frequency attached by ClinVar (database versions not stated): 1000 Genomes Project 30x 0.00016; 1000 Genomes Project 0.00020; ESP Exome Variant Server 0.00083; TOPMed 0.00106; gnomAD exomes 0.00109 and 0.00132; gnomAD 0.00115; ExAC 0.00136.
gnomAD v4.1: 1,820 of 1,613,780 alleles (0.11%); highest among the groups gnomAD compares: Middle Eastern, 2%; 7 homozygotes.

Submissions (9):

Labcorp Genetics (formerly Invitae), Labcorp
Classification: Benign. Last evaluated: 2026-01-26. Review status: criteria provided, single submitter. Criteria: Invitae Variant Classification Sherloc (09022015). Collection method: clinical testing. Allele origin: germline.

Blueprint Genetics
Classification: Likely benign. Last evaluated: 2024-11-22. Review status: criteria provided, single submitter. Criteria: ACMG Guidelines, 2015. Collection method: clinical testing. Allele origin: germline.

CeGaT Center for Human Genetics Tuebingen
Classification: Likely benign. Last evaluated: 2024-02-01. Review status: criteria provided, single submitter. Criteria: CeGaT Center For Human Genetics Tuebingen Variant Classification Criteria Version 2. Collection method: clinical testing. Allele origin: germline. Affected: yes. Observed: 3 variant alleles.
Comment: TRIOBP: BP4, BS2

Department of Pathology and Laboratory Medicine, Sinai Health System
Classification: Uncertain significance for Autosomal recessive nonsyndromic hearing loss 28. Last evaluated: 2022-04-01. Review status: criteria provided, single submitter. Criteria: ACMG Guidelines, 2015. Collection method: research. Allele origin: germline.

ARUP Laboratories, Molecular Genetics and Genomics, ARUP Laboratories
Classification: Benign for Autosomal recessive nonsyndromic hearing loss 28. Last evaluated: 2019-09-25. Review status: criteria provided, single submitter. Criteria: ARUP Molecular Germline Variant Investigation Process. Collection method: clinical testing. Allele origin: germline.

Eurofins Ntd Llc (ga)
Classification: Uncertain significance. Last evaluated: 2016-05-10. Review status: criteria provided, single submitter. Criteria: EGL Classification Definitions 2015. Collection method: clinical testing. Allele origin: germline. Observed: 1 variant allele, 1 heterozygote.

Dr. Peter K. Rogan Lab, Western University
No classification provided (evidence only). Condition: Hepatocellular carcinoma. Review status: no classification provided. Collection method: in vitro. Allele origin: not applicable. Functional consequence: retained intron. Not counted in ClinVar's aggregate classification.

Dr. Peter K. Rogan Lab, Western University
No classification provided (evidence only). Condition: Thymoma. Review status: no classification provided. Collection method: in vitro. Allele origin: not applicable. Functional consequence: retained intron. Not counted in ClinVar's aggregate classification.

Dr. Peter K. Rogan Lab, Western University
No classification provided (evidence only). Condition: Ovarian serous cystadenocarcinoma. Review status: no classification provided. Collection method: in vitro. Allele origin: not applicable. Functional consequence: retained intron. Not counted in ClinVar's aggregate classification.